The following is an entry in ClinVar:

ClinVar aggregate classification (germline): Conflicting classifications of pathogenicity. Review status: criteria provided, conflicting classifications (1 of 4 stars). 6 submissions from 6 submitters: Uncertain significance (1); Benign (1); Likely benign (4). Last evaluated 2025-10-29.

Conditions:
Hereditary cancer-predisposing syndrome. Also called: Neoplastic Syndromes, Hereditary; Hereditary neoplastic syndrome; Tumor predisposition; Hereditary Cancer Syndrome. Identifiers: Orphanet 140162, MedGen C0027672, MeSH D009386, MONDO:0015356.
Familial cancer of breast. Also called: hereditary breast carcinoma; Hereditary breast cancer; BREAST CANCER, FAMILIAL. Identifiers: Orphanet 227535, MedGen C0346153, MONDO:0016419, OMIM 114480. Disease mechanism: loss of function.
Ataxia-telangiectasia syndrome (AT). Also called: Ataxia telangiectasia (A-T); Cerebello-oculocutaneous telangiectasia; Immunodeficiency with ataxia telangiectasia; LOUIS-BAR SYNDROME; AT, COMPLEMENTATION GROUP C; ATAXIA-TELANGIECTASIA, FRESNO VARIANT. Identifiers: Orphanet 100, MedGen C0004135, MONDO:0008840, OMIM 208900.

Allele frequency attached by ClinVar (database versions not stated): gnomAD exomes 0.00001 and below 0.00001.
gnomAD v4.1: 4 of 1,611,830 alleles (0.00025%); highest among the groups gnomAD compares: Non-Finnish European, 0.00017%; no homozygotes.

Submissions (6):

Labcorp Genetics (formerly Invitae), Labcorp
Classification: Likely benign for Ataxia-telangiectasia syndrome. Last evaluated: 2025-10-29. Review status: criteria provided, single submitter. Criteria: Invitae Variant Classification Sherloc (09022015). Collection method: clinical testing. Allele origin: germline.

Myriad Genetics, Inc.
Classification: Benign for Familial cancer of breast. Last evaluated: 2024-06-05. Review status: criteria provided, single submitter. Criteria: Myriad Autosomal Dominant, Autosomal Recessive and X-Linked Classification Criteria (2023). Collection method: clinical testing. Allele origin: unknown.
Comment: This variant is considered benign. This variant is a silent/synonymous amino acid change and it is not expected to impact splicing.

Color Diagnostics, LLC DBA Color Health
Classification: Likely benign for Hereditary cancer-predisposing syndrome. Last evaluated: 2019-10-11. Review status: criteria provided, single submitter. Criteria: ACMG Guidelines, 2015. Collection method: clinical testing. Allele origin: germline.

GeneDx
Classification: Likely benign. Last evaluated: 2018-09-18. Review status: criteria provided, single submitter. Criteria: GeneDx Variant Classification Process June 2021. Collection method: clinical testing. Allele origin: germline. Affected: yes.

Illumina Laboratory Services, Illumina
Classification: Uncertain significance for Ataxia-telangiectasia syndrome. Last evaluated: 2018-01-13. Review status: criteria provided, single submitter. Criteria: ICSL Variant Classification Criteria 13 December 2019. Collection method: clinical testing. Allele origin: germline.

Ambry Genetics
Classification: Likely benign for Hereditary cancer-predisposing syndrome. Last evaluated: 2016-04-01. Review status: criteria provided, single submitter. Criteria: Ambry Variant Classification Scheme 2023. Collection method: clinical testing. Allele origin: germline.

NM_000051.4(ATM):c.6318T>C (p.Asn2106=)

Genes: ATM (ATM serine/threonine kinase; plus strand), C11orf65 (chromosome 11 open reading frame 65; minus strand). Cytogenetic location: 11q22.3.
Variant type: single nucleotide variant.
Coding change: c.6318T>C on transcript NM_000051.4 (MANE Select); coding-DNA position 6318, T replaced by C.
Protein change: p.Asn2106=; no amino-acid change (asparagine 2106 retained).
Molecular consequence: synonymous variant. On other transcripts: intron variant (2).
Genome position (GRCh38, 1-based): chr11:108,317,492, T>C. VCF-style: chr11-108317492-T-C. GRCh37 (hg19) VCF-style: chr11-108188219-T-C.
Other names: c.6318T>C, p.Asn2106= (NM_001351834.2); c.641-8421A>G (NM_001330368.2); c.*39-8421A>G (NM_001351110.2).
Identifiers: ClinVar variation 221060 (VCV000221060.26), dbSNP rs864622730, ClinGen allele CA350275.